The following is an entry in ClinVar:

NM_001127511.3(APC):c.-186G>A

Genes: APC (APC regulator of Wnt signaling pathway; plus strand), LOC129994371 (ATAC-STARR-seq lymphoblastoid active region 22910; plus strand). Cytogenetic location: 5q22.2.
Variant type: single nucleotide variant.
Coding change: c.-186G>A on transcript NM_001127511.3; 186 bases upstream of the start codon, G replaced by A.
Molecular consequence: 5 prime UTR variant. On other transcripts: non-coding transcript variant (2).
Genome position (GRCh38, 1-based): chr5:112,707,532, G>A. VCF-style: chr5-112707532-G-A. GRCh37 (hg19) VCF-style: chr5-112043229-G-A.
Other names: c.-369G>A (NM_001354895.2, NM_001407447.1, NM_001407452.1 and 3 more transcripts); c.-186G>A (NM_001354897.2, NM_001354902.2, NM_001407446.1); c.-136G>A (NM_001407448.1, NM_001407450.1, NM_001407457.1 and 1 more transcripts); c.-160G>A (NM_001407453.1); c.-1404G>A (NM_001407470.1, NM_001407472.1).
Identifiers: ClinVar variation 1041664 (VCV001041664.47), dbSNP rs1554060187, ClinGen allele CA1573442401.

ClinVar aggregate classification (germline): Uncertain significance (1 of 4 stars; one submission).

Conditions:
Familial adenomatous polyposis 1 (FAP1). Also called: FAMILIAL ADENOMATOUS POLYPOSIS 1, ATTENUATED; POLYPOSIS, ADENOMATOUS INTESTINAL. Identifiers: MedGen C2713442, MONDO:0021056, OMIM 175100. Disease mechanism: loss of function.

Allele frequency attached by ClinVar (database versions not stated): gnomAD exomes below 0.00001; TOPMed below 0.00001.
gnomAD v4.1: 1 of 493,478 alleles (0.0002%); highest among the groups gnomAD compares: Non-Finnish European, 0.00036%; no homozygotes.

Submission:

Labcorp Genetics (formerly Invitae), Labcorp
Classification: Uncertain significance for Familial adenomatous polyposis 1. Last evaluated: 2024-04-24. Review status: criteria provided, single submitter. Criteria: Invitae Variant Classification Sherloc (09022015). Collection method: clinical testing. Allele origin: germline.
Comment: This variant occurs in a non-coding region of the APC gene. It does not change the encoded amino acid sequence of the APC protein. This variant is not present in population databases (gnomAD no frequency). This variant has not been reported in the literature in individuals affected with APC-related conditions. Experimental studies and prediction algorithms are not available or were not evaluated, and the functional significance of this variant is currently unknown. In summary, the available evidence is currently insufficient to determine the role of this variant in disease. Therefore, it has been classified as a Variant of Uncertain Significance.